The following is an entry in ClinVar:

ClinVar aggregate classification (germline): Likely benign (0 of 4 stars; one submission).

Conditions:
ITPR2-related disorder. Also called: ITPR2-related condition.

Allele frequency attached by ClinVar (database versions not stated): gnomAD exomes 0.00002; ESP Exome Variant Server 0.00008; TOPMed 0.00026; 1000 Genomes Project 0.00040; 1000 Genomes Project 30x 0.00047.
gnomAD v4.1: 75 of 1,613,672 alleles (0.0046%); highest among the groups gnomAD compares: African/African-American, 0.071%; no homozygotes.

Submission:

PreventionGenetics, part of Exact Sciences
Classification: Likely benign for ITPR2-related condition. Last evaluated: 2019-03-08. Review status: no assertion criteria provided. Collection method: clinical testing. Allele origin: germline.
Comment: This variant is classified as likely benign based on ACMG/AMP sequence variant interpretation guidelines (Richards et al. 2015 PMID: 25741868, with internal and published modifications).

NM_002223.4(ITPR2):c.6336C>G (p.Ala2112=)

Gene: ITPR2 (inositol 1,4,5-trisphosphate receptor type 2; minus strand). Cytogenetic location: 12p11.23.
Variant type: single nucleotide variant.
Coding change: c.6336C>G on transcript NM_002223.4 (MANE Select); coding-DNA position 6336, C replaced by G.
Protein change: p.Ala2112=; no amino-acid change (alanine 2112 retained).
Molecular consequence: synonymous variant. On other transcripts: intron variant (1).
Genome position (GRCh38, 1-based): chr12:26,475,302, G>C on the plus strand (C>G on the coding strand, the complement: ITPR2 is on the minus strand). VCF-style: chr12-26475302-G-C. GRCh37 (hg19) VCF-style: chr12-26628235-G-C.
Other names: c.6333C>G, p.Ala2111= (NM_001414174.1); c.6123+5829C>G (NM_001414175.1).
Identifiers: ClinVar variation 3057471 (VCV003057471.2), dbSNP rs200479256, ClinGen allele CA6488495.